The following is an entry in ClinVar:

ClinVar aggregate classification (germline): Uncertain significance. Review status: criteria provided, multiple submitters, no conflicts (2 of 4 stars). 5 submissions from 5 submitters: Uncertain significance (5). Last evaluated 2025-08-03.

Conditions:
Inborn genetic diseases. Identifiers: MedGen C0950123, MeSH D030342.

Allele frequency attached by ClinVar (database versions not stated): gnomAD exomes 0.00004 and 0.00008; ExAC 0.00010; ESP Exome Variant Server 0.00015; gnomAD 0.00024 and 0.00026; TOPMed 0.00037; 1000 Genomes Project 30x 0.00078; 1000 Genomes Project 0.00100.
gnomAD v4.1: 100 of 1,614,022 alleles (0.0062%); highest among the groups gnomAD compares: African/African-American, 0.085%; no homozygotes.

Submissions (5):

Ambry Genetics
Classification: Uncertain significance for Inborn genetic diseases. Last evaluated: 2025-08-03. Review status: criteria provided, single submitter. Criteria: Ambry Variant Classification Scheme 2023. Collection method: clinical testing. Allele origin: germline.

Labcorp Genetics (formerly Invitae), Labcorp
Classification: Uncertain significance. Last evaluated: 2024-10-29. Review status: criteria provided, single submitter. Criteria: Invitae Variant Classification Sherloc (09022015). Collection method: clinical testing. Allele origin: germline.
Comment: This sequence change replaces arginine, which is basic and polar, with histidine, which is basic and polar, at codon 49 of the SLC25A19 protein (p.Arg49His). This variant is present in population databases (rs141184131, gnomAD 0.08%). This variant has not been reported in the literature in individuals affected with SLC25A19-related conditions. ClinVar contains an entry for this variant (Variation ID: 130328). Invitae Evidence Modeling of protein sequence and biophysical properties (such as structural, functional, and spatial information, amino acid conservation, physicochemical variation, residue mobility, and thermodynamic stability) indicates that this missense variant is not expected to disrupt SLC25A19 protein function with a negative predictive value of 80%. In summary, the available evidence is currently insufficient to determine the role of this variant in disease. Therefore, it has been classified as a Variant of Uncertain Significance.

GeneDx
Classification: Uncertain significance. Last evaluated: 2023-02-22. Review status: criteria provided, single submitter. Criteria: GeneDx Variant Classification Process June 2021. Collection method: clinical testing. Allele origin: germline. Affected: yes.
Comment: In silico analysis supports that this missense variant does not alter protein structure/function; Has not been previously published as pathogenic or benign to our knowledge

Mayo Clinic Laboratories, Mayo Clinic
Classification: Uncertain significance. Last evaluated: 2019-11-18. Review status: criteria provided, single submitter. Criteria: ACMG Guidelines, 2015. Collection method: clinical testing. Allele origin: germline. Observed: 1 variant allele.

Genetic Services Laboratory, University of Chicago
Classification: Uncertain significance. Last evaluated: 2013-12-12. Review status: criteria provided, single submitter. Criteria: ACMG Guidelines, 2007. Collection method: clinical testing. Allele origin: germline. Inheritance: Autosomal recessive inheritance.

NM_001126121.2(SLC25A19):c.146G>A (p.Arg49His)

Gene: SLC25A19 (solute carrier family 25 member 19; minus strand). Cytogenetic location: 17q25.1.
Variant type: single nucleotide variant.
Coding change: c.146G>A on transcript NM_001126121.2 (MANE Select); coding-DNA position 146, G replaced by A.
Protein change: p.Arg49His; replaces arginine 49 with histidine.
Molecular consequence: missense variant.
Genome position (GRCh38, 1-based): chr17:75,286,446, C>T on the plus strand (G>A on the coding strand, the complement: SLC25A19 is on the minus strand). VCF-style: chr17-75286446-C-T. GRCh37 (hg19) VCF-style: chr17-73282527-C-T.
Other names: c.146G>A, p.Arg49His (NM_001126122.2, NM_021734.5); short protein forms R49H.
Identifiers: ClinVar variation 130328 (VCV000130328.22), dbSNP rs141184131, ClinGen allele CA231518.